The following is an entry in ClinVar:

NM_001042545.2(LTBP4):c.1468G>A (p.Gly490Ser)

Gene: LTBP4 (latent transforming growth factor beta binding protein 4; plus strand). Cytogenetic location: 19q13.2.
Variant type: single nucleotide variant.
Coding change: c.1468G>A on transcript NM_001042545.2 (MANE Select); coding-DNA position 1468, G replaced by A.
Protein change: p.Gly490Ser; replaces glycine 490 with serine.
Molecular consequence: missense variant.
Genome position (GRCh38, 1-based): chr19:40,609,571, G>A. VCF-style: chr19-40609571-G-A. GRCh37 (hg19) VCF-style: chr19-41115477-G-A.
Other names: c.1669G>A, p.Gly557Ser (NM_001042544.1); c.1558G>A, p.Gly520Ser (NM_003573.2); short protein forms G490S, G557S, G520S.
Identifiers: ClinVar variation 2181692 (VCV002181692.3), dbSNP rs1217119409, ClinGen allele CA405936554.

ClinVar aggregate classification (germline): Uncertain significance (1 of 4 stars; one submission).

Allele frequency attached by ClinVar (database versions not stated): TOPMed below 0.00001.
gnomAD v4.1: 2 of 1,613,438 alleles (0.00012%); highest among the groups gnomAD compares: Non-Finnish European, 0.000085%; no homozygotes.

Submission:

Labcorp Genetics (formerly Invitae), Labcorp
Classification: Uncertain significance. Last evaluated: 2022-07-02. Review status: criteria provided, single submitter. Criteria: Invitae Variant Classification Sherloc (09022015). Collection method: clinical testing. Allele origin: germline.
Comment: In summary, the available evidence is currently insufficient to determine the role of this variant in disease. Therefore, it has been classified as a Variant of Uncertain Significance. Experimental studies and prediction algorithms are not available or were not evaluated, and the functional significance of this variant is currently unknown. This variant has not been reported in the literature in individuals affected with LTBP4-related conditions. This variant is not present in population databases (gnomAD no frequency). This sequence change replaces glycine, which is neutral and non-polar, with serine, which is neutral and polar, at codon 520 of the LTBP4 protein (p.Gly520Ser).